The following is an entry in ClinVar:

NM_001035.3(RYR2):c.7159G>A (p.Ala2387Thr)

Gene: RYR2 (ryanodine receptor 2; plus strand). Cytogenetic location: 1q43.
Variant type: single nucleotide variant.
Coding change: c.7159G>A on transcript NM_001035.3 (MANE Select); coding-DNA position 7159, G replaced by A.
Protein change: p.Ala2387Thr; replaces alanine 2387 with threonine.
Molecular consequence: missense variant.
Genome position (GRCh38, 1-based): chr1:237,640,940, G>A. VCF-style: chr1-237640940-G-A. GRCh37 (hg19) VCF-style: chr1-237804240-G-A.
Other names: p.A2387T:GCG>ACG; short protein forms A2387T.
Identifiers: ClinVar variation 201276 (VCV000201276.26), dbSNP rs794728753, ClinGen allele CA010573.

ClinVar aggregate classification (germline): Pathogenic/Likely pathogenic. Review status: criteria provided, multiple submitters, no conflicts (2 of 4 stars). 7 submissions from 7 submitters: Pathogenic (4); Likely pathogenic (3). Last evaluated 2025-05-11.

Conditions:
RYR2-related disorder. Also called: RYR2-related condition.
Cardiovascular phenotype. Identifiers: MedGen CN230736.
Catecholaminergic polymorphic ventricular tachycardia (CVPT). Also called: Catecholamine-induced polymorphic ventricular tachycardia. Identifiers: Orphanet 3286, MedGen C5574922, MONDO:0017990.
Catecholaminergic polymorphic ventricular tachycardia 1. Also called: VENTRICULAR TACHYCARDIA, CATECHOLAMINERGIC POLYMORPHIC, 1, WITH OR WITHOUT ATRIAL DYSFUNCTION AND/OR DILATED CARDIOMYOPATHY; VENTRICULAR TACHYCARDIA, STRESS-INDUCED POLYMORPHIC 1; RYR2-Related Catecholaminergic Polymorphic Ventricular Tachycardia. Identifiers: Orphanet 3286, MedGen C1631597, MONDO:0011484, OMIM 604772.

Submissions (7):

Labcorp Genetics (formerly Invitae), Labcorp
Classification: Pathogenic for Catecholaminergic polymorphic ventricular tachycardia 1. Last evaluated: 2025-05-11. Review status: criteria provided, single submitter. Criteria: Invitae Variant Classification Sherloc (09022015). Collection method: clinical testing. Allele origin: germline.
Comment: This sequence change replaces alanine, which is neutral and non-polar, with threonine, which is neutral and polar, at codon 2387 of the RYR2 protein (p.Ala2387Thr). This variant is not present in population databases (gnomAD no frequency). This missense change has been observed in individuals with cardiac arrest and/or catecholaminergic polymorphic ventricular tachycardia (CPVT) (PMID: 16188589, 19398665, 28237968, 28600387). ClinVar contains an entry for this variant (Variation ID: 201276). Invitae Evidence Modeling of protein sequence and biophysical properties (such as structural, functional, and spatial information, amino acid conservation, physicochemical variation, residue mobility, and thermodynamic stability) indicates that this missense variant is expected to disrupt RYR2 protein function with a positive predictive value of 95%. This variant disrupts the p.Ala2387 amino acid residue in RYR2. Other variant(s) that disrupt this residue have been observed in individuals with RYR2-related conditions (PMID: 15131021, 16188589, 19398665, 23595086, 28237968, 28600387), which suggests that this may be a clinically significant amino acid residue. For these reasons, this variant has been classified as Pathogenic.

Victorian Clinical Genetics Services, Murdoch Childrens Research Institute
Classification: Pathogenic for Catecholaminergic polymorphic ventricular tachycardia 1. Last evaluated: 2025-03-11. Review status: criteria provided, single submitter. Criteria: ACMG Guidelines, 2015. Collection method: clinical testing. Allele origin: germline. Affected: yes.
Comment: This variant is classified as Pathogenic. Evidence in support of pathogenic classification: Variant is absent from gnomAD (v2, v3 and v4); This variant has strong previous evidence of pathogenicity in unrelated individuals. This variant has been classified a pathogenic and likely pathogenic by multiple clinical laboratories in ClinVar. This variant has also been reported in multiple unrelated individuals with catecholaminergic polymorphic ventricular tachycardia (PMID: 28237968, 28600387, 16188589, 29453246); Variant is located in a hotspot region or cluster of PATHOGENIC missense variants (PMID: 30696458). Additional information: Variant is predicted to result in a missense amino acid change from alanine to threonine; This variant is heterozygous; This gene is associated with autosomal dominant disease; Dominant negative and gain of function are known mechanisms of disease in this gene and are associated with catecholaminergic polymorphic ventricular tachycardia 1 (MIM#604772), and left ventricular non-compaction (PMID: 12459180, 27646203, 29477366, 31875585, 33500567). Loss of function has been reported for ventricular arrhythmias due to cardiac ryanodine receptor calcium release deficiency syndrome (MIM#115000), however dominant negative mechanism has not been excluded (PMID: 33536282); The condition associated with this gene has incomplete penetrance. Penetrance for catecholaminergic polymorphic ventricular tachycardia is estimated to be 60-70% (PMID: 23549275).

GeneDx
Classification: Pathogenic. Last evaluated: 2024-12-18. Review status: criteria provided, single submitter. Criteria: GeneDx Variant Classification Process June 2021. Collection method: clinical testing. Allele origin: germline. Affected: yes.
Comment: In silico analysis supports that this missense variant has a deleterious effect on protein structure/function; Not observed at significant frequency in large population cohorts (gnomAD); This variant is associated with the following publications: (PMID: 19398665, 16391617, 24025405, 24136861, 19926015, 23595086, 15131021, 22221940, 31112425, 29434162, 33825858, Olubando2020, 16188589, 17052226, 26189708, 29453246, 34076677, 30847666, 28600387, 31737537, 28237968, 32553227, 35135837, 32152366)

Blueprint Genetics
Classification: Pathogenic for RYR2-related disorders. Last evaluated: 2023-12-05. Review status: criteria provided, single submitter. Criteria: ACMG Guidelines, 2015. Collection method: clinical testing. Allele origin: germline. Affected: yes. Observed: 3 variant alleles.

Ambry Genetics
Classification: Likely pathogenic for Cardiovascular phenotype. Last evaluated: 2022-11-22. Review status: criteria provided, single submitter. Criteria: Ambry Variant Classification Scheme 2023. Collection method: clinical testing. Allele origin: germline.
Comment: The p.A2387T variant (also known as c.7159G>A), located in coding exon 47 of the RYR2 gene, results from a G to A substitution at nucleotide position 7159. The alanine at codon 2387 is replaced by threonine, an amino acid with similar properties. This alteration has been detected in several patients reported to have catecholaminergic polymorphic ventricular tachycardia (CPVT), and has been detected in CPVT or sudden cardiac arrest cohorts with varying levels of clinical detail (Tester DJ et al. Heart Rhythm, 2005;2:1099-105; Medeiros-Domingo A et al. J. Am. Coll. Cardiol., 2009;54:2065-74; Hayashi M et al. Circulation, 2009;119:2426-34; Jim&eacute;nez-J&aacute;imez J. Am. J. Cardiol. 2015;116(6):894-9Mellor G. Circ Cardiovasc Genet. 2017;10(3); Kapplinger JD. Circ Genom Precis Med. 2018;11(2):e001424. Alterations affecting the same amino acid (p.A2387V, c.7160C>T and p.A2387P, c.7159G>C) have also been identified in CPVT cohorts (Bagattin A et al. Clin. Chem., 2004;50:1148-55; Haugaa KH et al. Europace, 2010;12:417-23). This amino acid position is highly conserved in available vertebrate species. In addition, this alteration is predicted to be deleterious by in silico analysis. Based on the majority of available evidence to date, this variant is likely to be pathogenic.

AiLife Diagnostics
Classification: Likely pathogenic. Last evaluated: 2021-09-13. Review status: criteria provided, single submitter. Criteria: ACMG Guidelines, 2015. Collection method: clinical testing. Allele origin: germline. Affected: yes. Observed: 1 variant allele.

Laboratory for Molecular Medicine, Mass General Brigham Personalized Medicine
Classification: Likely pathogenic for Catecholaminergic polymorphic ventricular tachycardia. Last evaluated: 2015-02-17. Review status: criteria provided, single submitter. Criteria: LMM Criteria. Collection method: clinical testing. Allele origin: germline. Observed: 1 variant allele.
Comment: It was absent from large population studies. This variant is located in the ce ntral domain of the RYR2 protein where other disease-causing variants are cluste red (Yano 2006, Walsh 2014) and another variant at this position (p.Ala2387Pro) has been identified in individuals with CPVT (Bagattin 2004, Steriotis 2012), su ggesting that a change at this position may not be tolerated. Computational pred iction tools and conservation analysis also suggest that this variant may impact the protein, though this information is not predictive enough to determine path ogenicity. In summary, although additional studies are required to fully establ ish its clinical significance, the p.Ala2387Thr variant is likely pathogenic.

Literature cited by the submitters: PubMed 16188589 (cited by 4 submitters); PubMed 19398665 (cited by Labcorp Genetics (formerly Invitae), Labcorp and Ambry Genetics); PubMed 28237968 (cited by Labcorp Genetics (formerly Invitae), Labcorp); PubMed 28600387 (cited by 3 submitters); PubMed 15131021 (cited by 3 submitters); PubMed 23595086 (cited by 3 submitters); PubMed 30696458 (cited by Victorian Clinical Genetics Services, Murdoch Childrens Research Institute); PubMed 31875585 (cited by Victorian Clinical Genetics Services, Murdoch Childrens Research Institute); PubMed 23549275 (cited by Victorian Clinical Genetics Services, Murdoch Childrens Research Institute); PubMed 12459180 (cited by Victorian Clinical Genetics Services, Murdoch Childrens Research Institute); PubMed 33500567 (cited by Victorian Clinical Genetics Services, Murdoch Childrens Research Institute); PubMed 29477366 (cited by Victorian Clinical Genetics Services, Murdoch Childrens Research Institute); PubMed 33536282 (cited by Victorian Clinical Genetics Services, Murdoch Childrens Research Institute); PubMed 27646203 (cited by Victorian Clinical Genetics Services, Murdoch Childrens Research Institute); PubMed 19926015 (cited by Ambry Genetics and Laboratory for Molecular Medicine, Mass General Brigham Personalized Medicine); PubMed 20106799 (cited by Ambry Genetics); PubMed 22221940 (cited by Ambry Genetics and Laboratory for Molecular Medicine, Mass General Brigham Personalized Medicine); PubMed 26189708 (cited by Ambry Genetics); PubMed 29453246 (cited by Ambry Genetics); PubMed 31112425 (cited by AiLife Diagnostics); PubMed 24025405 (cited by AiLife Diagnostics); PubMed 31737537 (cited by AiLife Diagnostics); PubMed 29434162 (cited by AiLife Diagnostics); PubMed 30847666 (cited by AiLife Diagnostics); PubMed 24136861 (cited by AiLife Diagnostics and Laboratory for Molecular Medicine, Mass General Brigham Personalized Medicine); PubMed 33825858 (cited by AiLife Diagnostics); PubMed 16391617 (cited by Laboratory for Molecular Medicine, Mass General Brigham Personalized Medicine).